The following is an entry in ClinVar:

NM_003072.5(SMARCA4):c.1813-18C>T

Gene: SMARCA4 (SWI/SNF related BAF chromatin remodeling complex subunit ATPase 4; plus strand). Cytogenetic location: 19p13.2.
Variant type: single nucleotide variant.
Coding change: c.1813-18C>T on transcript NM_003072.5 (MANE Select); 18 bases into the intron before coding-DNA position 1813, C replaced by T.
Molecular consequence: intron variant.
Genome position (GRCh38, 1-based): chr19:11,003,011, C>T. VCF-style: chr19-11003011-C-T. GRCh37 (hg19) VCF-style: chr19-11113687-C-T.
Other names: c.1813-18C>T (NM_001128844.3, NM_001128849.3, NM_001128847.4 and 5 more transcripts).
Identifiers: ClinVar variation 1611697 (VCV001611697.10), dbSNP rs763607731, ClinGen allele CA9203914.

ClinVar aggregate classification (germline): Benign/Likely benign. Review status: criteria provided, multiple submitters, no conflicts (2 of 4 stars). 3 submissions from 3 submitters: Benign (1); Likely benign (2). Last evaluated 2026-07-10.

Conditions:
Rhabdoid tumor predisposition syndrome 2 (RTPS2). Identifiers: Orphanet 231108, Orphanet 69077, MedGen C2750074, MONDO:0013224, OMIM 613325.

Allele frequency attached by ClinVar (database versions not stated): TOPMed 0.00001; ExAC 0.00002.
gnomAD v4.1: 68 of 1,613,886 alleles (0.0042%); highest among the groups gnomAD compares: Non-Finnish European, 0.0055%; no homozygotes.

Submissions (3):

Myriad Genetics, Inc.
Classification: Benign for Rhabdoid tumor predisposition syndrome 2. Last evaluated: 2026-07-10. Review status: criteria provided, single submitter. Criteria: Myriad Autosomal Dominant, Autosomal Recessive and X-Linked Classification Criteria (2023). Collection method: clinical testing. Allele origin: unknown.
Comment: This variant is considered benign. This variant is intronic and is not expected to impact mRNA splicing. This variant has been observed at a population frequency that is significantly greater than expected given the associated disease prevalence and penetrance.

Labcorp Genetics (formerly Invitae), Labcorp
Classification: Likely benign for Rhabdoid tumor predisposition syndrome 2. Last evaluated: 2026-01-19. Review status: criteria provided, single submitter. Criteria: Invitae Variant Classification Sherloc (09022015). Collection method: clinical testing. Allele origin: germline.

Blueprint Genetics
Classification: Likely benign. Last evaluated: 2023-09-11. Review status: criteria provided, single submitter. Criteria: ACMG Guidelines, 2015. Collection method: clinical testing. Allele origin: germline.